The following is an entry in ClinVar:

ClinVar aggregate classification (germline): Pathogenic/Likely pathogenic. Review status: criteria provided, multiple submitters, no conflicts (2 of 4 stars). 2 submissions from 2 submitters: Pathogenic (1); Likely pathogenic (1). Last evaluated 2023-03-27.

Conditions:
Primary ciliary dyskinesia. Also called: Ciliary dyskinesia. Identifiers: Orphanet 244, MedGen C0008780, MONDO:0016575, HP:0012265.
Primary ciliary dyskinesia 16. Also called: CILIARY DYSKINESIA, PRIMARY, 16, WITH OR WITHOUT SITUS INVERSUS. Identifiers: Orphanet 244, MedGen C3151460, MONDO:0013525, OMIM 614017.

Submissions (2):

Labcorp Genetics (formerly Invitae), Labcorp
Classification: Pathogenic for Primary ciliary dyskinesia 16. Last evaluated: 2023-03-27. Review status: criteria provided, single submitter. Criteria: Invitae Variant Classification Sherloc (09022015). Collection method: clinical testing. Allele origin: germline.
Comment: ClinVar contains an entry for this variant (Variation ID: 228252). For these reasons, this variant has been classified as Pathogenic. This sequence change creates a premature translational stop signal (p.Leu75*) in the DNAL1 gene. It is expected to result in an absent or disrupted protein product. Loss-of-function variants in DNAL1 are known to be pathogenic (PMID: 21496787). This variant is not present in population databases (gnomAD no frequency). This variant has not been reported in the literature in individuals affected with DNAL1-related conditions.

Laboratory for Molecular Medicine, Mass General Brigham Personalized Medicine
Classification: Likely pathogenic for Primary ciliary dyskinesia. Last evaluated: 2016-02-03. Review status: criteria provided, single submitter. Criteria: LMM Criteria. Collection method: clinical testing. Allele origin: germline. Inheritance: Autosomal recessive inheritance. Observed: 1 variant allele.
Comment: The p.Leu36X variant in DNAL1 has not been previously reported in individuals wi th pulmonary disease or in large population studies. This variant is a deletion of 7 nucleotides at position 107 and is predicted to alter the protein reading-f rame, resulting in a premature termination codon at amino acid position 36. This alteration is then predicted to lead to a truncated or absent protein. In summa ry, although additional studies are required to fully establish its clinical sig nificance, the p.Leu36X variant is likely pathogenic.

Literature cited by the submitters: PubMed 21496787 (cited by Labcorp Genetics (formerly Invitae), Labcorp and Laboratory for Molecular Medicine, Mass General Brigham Personalized Medicine).

NM_031427.4(DNAL1):c.224_230del (p.Ile74_Leu75insTer)

Gene: DNAL1 (dynein axonemal light chain 1; plus strand). Cytogenetic location: 14q24.3.
Variant type: Deletion.
Coding change: c.224_230del on transcript NM_031427.4 (MANE Select); coding-DNA positions 224 to 230, 7 bases deleted (TATCTTT; older notation c.224_230delTATCTTT).
Protein change: p.Ile74_Leu75insTer.
Molecular consequence: nonsense.
Genome position (GRCh38, 1-based): chr14:73,671,557-73,671,563, TATCTTT deleted; deleting any 7 consecutive bases within chr14:73,671,556-73,671,563 gives the same sequence; the c. name uses the placement nearest the transcript's 3' end. VCF-style (leftmost placement, unchanged base first): chr14-73671555-ATTATCTT-A. GRCh37 (hg19) VCF-style: chr14-74138258-ATTATCTT-A.
Other names: c.107_113del, p.Ile35_Leu36insTer (NM_001201366.2).
Identifiers: ClinVar variation 228252 (VCV000228252.8), dbSNP rs876657637, ClinGen allele CA10576968.